The following is an entry in ClinVar:

NM_080424.4(SP110):c.886del (p.Ser296fs)

Genes: SP110 (SP110 nuclear body protein; minus strand), SP140 (SP140 nuclear body protein; plus strand). Cytogenetic location: 2q37.1.
Variant type: Deletion.
Coding change: c.886del on transcript NM_080424.4 (MANE Select); coding-DNA position 886, one base deleted (A; older notation c.886delA).
Protein change: p.Ser296fs; shifts the reading frame from serine 296.
Molecular consequence: frameshift variant.
Genome position (GRCh38, 1-based): chr2:230,208,003, T deleted on the plus strand (A on the coding strand, the reverse complement: SP110 is on the minus strand); the first of 7 consecutive T bases (chr2:230,208,003-230,208,009); deleting any one gives the same sequence. VCF-style (leftmost placement, unchanged base first): chr2-230208002-CT-C. GRCh37 (hg19) VCF-style: chr2-231072717-CT-C.
Other names: c.904del, p.Ser302fs (NM_001185015.2, NM_001378442.1, NM_001378444.1 and 2 more transcripts); c.886del, p.Ser296fs (NM_001378443.1, NM_001378447.1, NM_004509.5 and 1 more transcripts); short protein forms S302fs, S296fs.
Identifiers: ClinVar variation 1912459 (VCV001912459.5), dbSNP rs774290827, ClinGen allele CA2154704.
Genomic context (GRCh38, chr2:230,208,002, plus strand): 5'-TGCATGAGCTGTTTCCAGCCTCCAGCTTCCTCTTGTACTCTCATCTTACCTCCTGGGAGG[CT>C]TTTTTTCTTATGTCTCCTTTTTGGAGTTGACCAGATACATCTTTTTCTTTTCTTTCCTAA-3'

ClinVar aggregate classification (germline): Pathogenic (1 of 4 stars; one submission).

Conditions:
Hepatic veno-occlusive disease-immunodeficiency syndrome. Also called: Hepatic Veno-Occlusive Disease with Immunodeficiency. Identifiers: Orphanet 79124, MedGen C1856128, MONDO:0009338, OMIM 235550. Disease mechanism: loss of function.

Submission:

Labcorp Genetics (formerly Invitae), Labcorp
Classification: Pathogenic for Hepatic veno-occlusive disease-immunodeficiency syndrome. Last evaluated: 2022-11-01. Review status: criteria provided, single submitter. Criteria: Invitae Variant Classification Sherloc (09022015). Collection method: clinical testing. Allele origin: germline.
Comment: This sequence change creates a premature translational stop signal (p.Ser296Alafs*36) in the SP110 gene. It is expected to result in an absent or disrupted protein product. Loss-of-function variants in SP110 are known to be pathogenic (PMID: 16648851, 22621957). For these reasons, this variant has been classified as Pathogenic. This variant has not been reported in the literature in individuals affected with SP110-related conditions. The frequency data for this variant in the population databases is considered unreliable, as metrics indicate poor data quality at this position in the gnomAD database.

Literature cited by the submitters: PubMed 16648851; PubMed 22621957.